The following is an entry in ClinVar:

NM_194454.3(KRIT1):c.-356G>A

Gene: KRIT1 (KRIT1 ankyrin repeat containing; minus strand). Cytogenetic location: 7q21.2.
Variant type: single nucleotide variant.
Coding change: c.-356G>A on transcript NM_194454.3 (MANE Select); 356 bases upstream of the start codon, G replaced by A.
Molecular consequence: 5 prime UTR variant. On other transcripts: intron variant (12).
Genome position (GRCh38, 1-based): chr7:92,245,107, C>T on the plus strand (G>A on the coding strand, the complement: KRIT1 is on the minus strand). VCF-style: chr7-92245107-C-T. GRCh37 (hg19) VCF-style: chr7-91874421-C-T.
Other names: c.-208G>A (NM_001013406.2, NM_001350669.1, NM_001350673.1 and 4 more transcripts); c.-356G>A (NM_001350670.1, NM_001350674.1, NM_001350675.1 and 10 more transcripts); c.-791G>A (NM_001350671.1); c.-3+799G>A (NM_001350672.1); c.-3+320G>A (NM_001350677.1, NM_001350678.1, NM_001350687.1 and 3 more transcripts); c.-3+358G>A (NM_001350680.1, NM_001350694.1, NM_001350691.1); c.-151+320G>A (NM_001350693.1, NM_001350692.1).
Identifiers: ClinVar variation 360896 (VCV000360896.6), dbSNP rs117169559, ClinGen allele CA10629600.

ClinVar aggregate classification (germline): Benign/Likely benign. Review status: criteria provided, multiple submitters, no conflicts (2 of 4 stars). 3 submissions from 2 submitters: Benign (1); Likely benign (2). Last evaluated 2018-01-12.

Conditions:
Cerebral cavernous malformation (CCM). Also called: CAVERNOUS ANGIOMA, FAMILIAL; CAVERNOUS ANGIOMATOUS MALFORMATIONS; CEREBRAL CAPILLARY MALFORMATIONS; Cavernous Hemangioma of Brain; Cerebral cavernous hemangioma (type); Cerebral cavernous malformations. Identifiers: Orphanet 221061, MedGen C2919945, MONDO:0000820, OMIM 116860, HP:0033522.
Angiokeratoma corporis diffusum with arteriovenous fistulas. Identifiers: MedGen C1838141, MONDO:0010885, OMIM 600419.

Allele frequency attached by ClinVar (database versions not stated): 1000 Genomes Project 0.00220; 1000 Genomes Project 30x 0.00281; TOPMed 0.00696; gnomAD 0.00740 and 0.00762; gnomAD exomes 0.02174.
gnomAD v4.1: 1,115 of 152,122 alleles (0.73%); highest among the groups gnomAD compares: Non-Finnish European, 1.1%; 8 homozygotes.

Submissions (3):

Illumina Laboratory Services, Illumina
Classification: Likely benign for Cerebral cavernous malformation. Last evaluated: 2018-01-12. Review status: criteria provided, single submitter. Criteria: ICSL Variant Classification Criteria 13 December 2019. Collection method: clinical testing. Allele origin: germline.
Comment: This variant was observed in the ICSL laboratory as part of a predisposition screen in an ostensibly healthy population. It had not been previously curated by ICSL or reported in the Human Gene Mutation Database (HGMD: prior to June 1st, 2018), and was therefore a candidate for classification through an automated scoring system. Utilizing variant allele frequency, disease prevalence and penetrance estimates, and inheritance mode, an automated score was calculated to assess if this variant is too frequent to cause the disease. Based on the score and internal cut-off values, a variant classified as likely benign is not then subjected to further curation. The score for this variant resulted in a classification of likely benign for this disease.

Illumina Laboratory Services, Illumina
Classification: Benign for Angiokeratoma corporis diffusum with arteriovenous fistulas. Last evaluated: 2018-01-12. Review status: criteria provided, single submitter. Criteria: ICSL Variant Classification Criteria 13 December 2019. Collection method: clinical testing. Allele origin: germline.
Comment: This variant was observed in the ICSL laboratory as part of a predisposition screen in an ostensibly healthy population. It had not been previously curated by ICSL or reported in the Human Gene Mutation Database (HGMD: prior to June 1st, 2018), and was therefore a candidate for classification through an automated scoring system. Utilizing variant allele frequency, disease prevalence and penetrance estimates, and inheritance mode, an automated score was calculated to assess if this variant is too frequent to cause the disease. Based on the score and internal cut-off values, a variant classified as benign is not then subjected to further curation. The score for this variant resulted in a classification of benign for this disease.

Breakthrough Genomics
Classification: Likely benign. Review status: criteria provided, single submitter. Criteria: ACMG Guidelines, 2015. Collection method: not provided. Allele origin: germline. Inheritance: Autosomal dominant inheritance. Affected: yes.